The following is an entry in ClinVar:

NM_001379500.1(COL18A1):c.2814C>T (p.Pro938=)

Genes: COL18A1 (collagen type XVIII alpha 1 chain; plus strand), SLC19A1 (solute carrier family 19 member 1; minus strand). Cytogenetic location: 21q22.3.
Variant type: single nucleotide variant.
Coding change: c.2814C>T on transcript NM_001379500.1 (MANE Select); coding-DNA position 2814, C replaced by T.
Protein change: p.Pro938=; no amino-acid change (proline 938 retained).
Molecular consequence: synonymous variant.
Genome position (GRCh38, 1-based): chr21:45,504,502, C>T. VCF-style: chr21-45504502-C-T. GRCh37 (hg19) VCF-style: chr21-46924416-C-T.
Other names: c.3354C>T, p.Pro1118= (NM_030582.4); c.4059C>T, p.Pro1353= (NM_130444.3); c.3354C>T (NM_030582.3).
Identifiers: ClinVar variation 1589507 (VCV001589507.10), dbSNP rs766026583, ClinGen allele CA10067481.
Genomic context (GRCh38, chr21:45,504,502, plus strand): 5'-AGGACAGAAAGGCGAAAGGGGGGAGCCCGGGGGCGGCGGTTTCTTCGGCTCCAGCCTGCC[C>T]GGCCCCCCCGGCCCCCCAGGCCCCCCAGGCCCACGTGGCTACCCTGGGATTCCAGTAAGT-3'
Protein context (NP_001366429.1, residues 928-948): GGGGFFGSSL[Pro938=]GPPGPPGPPG

ClinVar aggregate classification (germline): Likely benign. Review status: criteria provided, multiple submitters, no conflicts (2 of 4 stars). 3 submissions from 3 submitters: Likely benign (3). Last evaluated 2025-11-02.

Conditions:
COL18A1-related disorder. Also called: COL18A1-related condition; COL18A1-related disorders.

Allele frequency attached by ClinVar (database versions not stated): TOPMed 0.00008; ExAC 0.00086.
gnomAD v4.1: 98 of 1,414,412 alleles (0.0069%); highest among the groups gnomAD compares: African/African-American, 0.023%; no homozygotes.

Submissions (3):

Labcorp Genetics (formerly Invitae), Labcorp
Classification: Likely benign. Last evaluated: 2025-11-02. Review status: criteria provided, single submitter. Criteria: Invitae Variant Classification Sherloc (09022015). Collection method: clinical testing. Allele origin: germline.

PreventionGenetics, part of Exact Sciences
Classification: Likely benign for COL18A1-related condition. Last evaluated: 2025-06-25. Review status: criteria provided, single submitter. Criteria: ACMG Guidelines, 2015. Collection method: clinical testing. Allele origin: germline.
Comment: This variant is classified as likely benign based on ACMG/AMP sequence variant interpretation guidelines (Richards et al. 2015 PMID: 25741868, with internal and published modifications).

Blueprint Genetics
Classification: Likely benign. Last evaluated: 2024-09-10. Review status: criteria provided, single submitter. Criteria: ACMG Guidelines, 2015. Collection method: clinical testing. Allele origin: germline.